The following is an entry in ClinVar:

ClinVar aggregate classification (germline): Uncertain significance. Review status: criteria provided, multiple submitters, no conflicts (2 of 4 stars). 4 submissions from 4 submitters: Uncertain significance (4). Last evaluated 2026-03-01.

Conditions:
Inborn genetic diseases. Identifiers: MedGen C0950123, MeSH D030342.
RP1L1-related disorder. Also called: RP1L1-related condition.

gnomAD v4.1: 56 of 1,612,872 alleles (0.0035%); highest among the groups gnomAD compares: Admixed American, 0.005%; 1 homozygote.

Submissions (4):

CeGaT Center for Human Genetics Tuebingen
Classification: Uncertain significance. Last evaluated: 2026-03-01. Review status: criteria provided, single submitter. Criteria: CeGaT Center For Human Genetics Tuebingen Variant Classification Criteria Version 2. Collection method: clinical testing. Allele origin: germline. Affected: yes. Observed: 3 variant alleles.
Comment: RP1L1: PM2, BP4

PreventionGenetics, part of Exact Sciences
Classification: Uncertain significance for RP1L1-related condition. Last evaluated: 2025-09-19. Review status: criteria provided, single submitter. Criteria: ACMG Guidelines, 2015. Collection method: clinical testing. Allele origin: germline.
Comment: The RP1L1 c.2806G>T variant is predicted to result in the amino acid substitution p.Gly936Trp. To our knowledge, this variant has not been reported in the literature. This variant is reported in 0.0086% of alleles in individuals of European (Non-Finnish) descent in gnomAD. At this time, the clinical significance of this variant is uncertain due to the absence of conclusive functional and genetic evidence.

Ambry Genetics
Classification: Uncertain significance for Inborn genetic diseases. Last evaluated: 2025-01-08. Review status: criteria provided, single submitter. Criteria: Ambry Variant Classification Scheme 2023. Collection method: clinical testing. Allele origin: germline.

Blueprint Genetics
Classification: Uncertain significance. Last evaluated: 2022-03-28. Review status: criteria provided, single submitter. Criteria: ACMG Guidelines, 2015. Collection method: clinical testing. Allele origin: germline.

NM_178857.6(RP1L1):c.2806G>T (p.Gly936Trp)

Gene: RP1L1 (RP1 like 1). Cytogenetic location: 8p23.1.
Variant type: single nucleotide variant.
Coding change: c.2806G>T on transcript NM_178857.6 (MANE Select); coding-DNA position 2806, G replaced by T.
Protein change: p.Gly936Trp; replaces glycine 936 with tryptophan.
Molecular consequence: missense variant.
Genome position (GRCh38, 1-based): chr8:10,611,292, C>A on the plus strand (G>T on the coding strand, the complement: RP1L1 is on the minus strand). VCF-style: chr8-10611292-C-A. GRCh37 (hg19) VCF-style: chr8-10468802-C-A.
Other names: short protein forms G936W.
Identifiers: ClinVar variation 3155819 (VCV003155819.21), dbSNP rs573733606, ClinGen allele CA4624697.